The following is an entry in ClinVar:

ClinVar aggregate classification (germline): Conflicting classifications of pathogenicity. Review status: criteria provided, conflicting classifications (1 of 4 stars). 12 submissions from 12 submitters: Uncertain significance (6); Likely benign (2). 4 of the submissions do not count toward it. Last evaluated 2026-07-25.

Conditions:
BRCA2-related disorder. Also called: BRCA2-related condition; BRCA2-related disorders. Identifiers: MedGen CN239275.
Hereditary cancer-predisposing syndrome. Also called: Hereditary neoplastic syndrome; Tumor predisposition; Hereditary Cancer Syndrome; Neoplastic Syndromes, Hereditary. Identifiers: Orphanet 140162, MedGen C0027672, MeSH D009386, MONDO:0015356.
Hereditary breast ovarian cancer syndrome. Also called: Breast and ovarian cancer; Hereditary breast and/or ovarian cancer syndrome; BRCA1- and BRCA2-Associated Hereditary Breast and Ovarian Cancer; Hereditary breast and ovarian cancer syndrome; Hereditary breast and ovarian cancer; Hereditary breast and ovarian cancer syndrome (HBOC). Identifiers: Orphanet 145, MedGen C0677776, MeSH D061325, MONDO:0003582. Disease mechanism: loss of function.
Breast-ovarian cancer, familial, susceptibility to, 2 (BROVCA2). Also called: BRCA2 Hereditary Breast and Ovarian Cancer. Identifiers: Orphanet 145, MedGen C2675520, MONDO:0012933, OMIM 612555. Disease mechanism: loss of function.

Allele frequency attached by ClinVar (database versions not stated): TOPMed below 0.00001; gnomAD exomes 0.00001 and 0.00002; ExAC 0.00003; 1000 Genomes Project 0.00020; 1000 Genomes Project 30x 0.00031.
gnomAD v4.1: 13 of 1,613,988 alleles (0.00081%); highest among the groups gnomAD compares: Middle Eastern, 0.033%; no homozygotes.

Submissions (12):

PreventionGenetics, part of Exact Sciences
Classification: Uncertain significance for BRCA2-related condition. Last evaluated: 2026-07-25. Review status: criteria provided, single submitter. Criteria: ACMG Guidelines, 2015. Collection method: clinical testing. Allele origin: germline.
Comment: The BRCA2 c.4819A>G variant is predicted to result in the amino acid substitution p.Ile1607Val. This variant has been reported in individuals with breast or ovarian cancer, but has also been seen in controls (Table S2, Gao et al. 2020. PubMed ID: 31825140; Table S4, Ko et al. 2019. PubMed ID: 31396961; Luo et al. 2022. PubMed ID: 35300142). This variant is reported in 0.016% of alleles in individuals of East Asian descent in gnomAD and has conflicting classifications listed in ClinVar ranging from likely benign to uncertain (Variation ID: 37926). Although we suspect that this variant may be benign, at this time, the clinical significance of this variant is uncertain due to the absence of conclusive functional and genetic evidence.

Women's Health and Genetics/Laboratory Corporation of America, LabCorp
Classification: Uncertain significance. Last evaluated: 2026-05-06. Review status: criteria provided, single submitter. Criteria: LabCorp Variant Classification Summary - May 2015. Collection method: clinical testing. Allele origin: germline.
Comment: Variant summary: BRCA2 c.4819A>G (p.Ile1607Val) results in a conservative amino acid change in the encoded protein sequence. Algorithms developed to predict the effect of missense changes on protein structure and function all suggest that this variant is likely to be tolerated. The variant allele was found at a frequency of 2e-05 in 250748 control chromosomes. The available data on variant occurrences in the general population are insufficient to allow any conclusion about variant significance.c.4819A>G has been observed in individuals affected with breast, ovarian or endometrial cancer, as well as unaffected controls (e.g. Suter_2004, Dorling_2021, Luo_2022, Darabi_2022). These reports do not provide unequivocal conclusions about association of the variant with Hereditary Breast And Ovarian Cancer Syndrome. Co-occurrence with another pathogenic variant was reported in one of these cases (BRCA2 c.2589delinsAA, p.N863K), providing supporting evidence for a benign role. To our knowledge, no experimental evidence demonstrating an impact on protein function has been reported. The following publications have been ascertained in the context of this evaluation (PMID: 14973102, 27157322, 35300142, 36557020, 33471991). ClinVar contains an entry for this variant (Variation ID: 37926). Based on the evidence outlined above, the variant was classified as uncertain significance.

Labcorp Genetics (formerly Invitae), Labcorp
Classification: Uncertain significance for Hereditary breast ovarian cancer syndrome. Last evaluated: 2025-12-23. Review status: criteria provided, single submitter. Criteria: Invitae Variant Classification Sherloc (09022015). Collection method: clinical testing. Allele origin: germline.
Comment: This sequence change replaces isoleucine, which is neutral and non-polar, with valine, which is neutral and non-polar, at codon 1607 of the BRCA2 protein (p.Ile1607Val). This variant is present in population databases (rs200582465, gnomAD 0.01%). This missense change has been observed in individual(s) with breast and/or ovarian cancer (PMID: 31825140, 35300142). ClinVar contains an entry for this variant (Variation ID: 37926). Invitae Evidence Modeling of protein sequence and biophysical properties (such as structural, functional, and spatial information, amino acid conservation, physicochemical variation, residue mobility, and thermodynamic stability) indicates that this missense variant is not expected to disrupt BRCA2 protein function with a negative predictive value of 95%. In summary, the available evidence is currently insufficient to determine the role of this variant in disease. Therefore, it has been classified as a Variant of Uncertain Significance.

Ambry Genetics
Classification: Likely benign for Hereditary cancer-predisposing syndrome. Last evaluated: 2025-02-17. Review status: criteria provided, single submitter. Criteria: Ambry Variant Classification Scheme 2023. Collection method: clinical testing. Allele origin: germline.

GeneDx
Classification: Uncertain significance. Last evaluated: 2024-12-19. Review status: criteria provided, single submitter. Criteria: GeneDx Variant Classification Process June 2021. Collection method: clinical testing. Allele origin: germline. Affected: yes.
Comment: Not observed at significant frequency in large population cohorts (gnomAD); In silico analysis indicates that this missense variant does not alter protein structure/function; Also known as 5047A>G; This variant is associated with the following publications: (PMID: 31825140, 32467295, 27157322, 33471991, 14973102, 35300142)

Color Diagnostics, LLC DBA Color Health
Classification: Uncertain significance for Hereditary cancer-predisposing syndrome. Last evaluated: 2024-04-23. Review status: criteria provided, single submitter. Criteria: ACMG Guidelines, 2015. Collection method: clinical testing. Allele origin: germline.
Comment: This missense variant replaces isoleucine with valine at codon 1607 of the BRCA2 protein. Computational prediction suggests that this variant may not impact protein structure and function. To our knowledge, functional studies have not been reported for this variant. This variant has been reported in an individual affected with ovarian cancer (PMID: 35300142). In a breast cancer case-control meta-analysis this variant was reported in 4/60462 cases and 2/53459 unaffected individuals (PMID: 33471991; Leiden Open Variation Database DB-ID BRCA2_002498). This variant has been identified in 4/250110 chromosomes in the general population by the Genome Aggregation Database (gnomAD). The available evidence is insufficient to determine the role of this variant in disease conclusively. Therefore, this variant is classified as a Variant of Uncertain Significance.

Quest Diagnostics Nichols Institute San Juan Capistrano
Classification: Uncertain significance. Last evaluated: 2023-11-08. Review status: criteria provided, single submitter. Criteria: Quest Diagnostics criteria. Collection method: clinical testing. Allele origin: unknown.
Comment: The BRCA2 c.4819A>G (p.Ile1607Val) variant has been reported in the published literature in individuals with ovarian cancer (PMID: 35300142 (2022)), esophageal squamous cell carcinoma (PMID: 31396961 (2020)) as well as in unaffected individuals (PMID: 14973102 (2004), 27157322 (2016)). In a large-scale breast cancer association study, the variant was observed in breast cancer cases and in unaffected individuals (PMID: 33471991 (2021), see also LOVD). This variant has been reported to be located in a region of the BRCA2 gene that is tolerant to missense sequence changes (PMID: 31911673 (2020)). The frequency of this variant in the general population, 0.00016 (3/18380 chromosomes (Genome Aggregation Database)), is uninformative in the assessment of its pathogenicity. Analysis of this variant using bioinformatics tools for the prediction of the effect of amino acid changes on protein structure and function yielded predictions that this variant is benign. Based on the available information, we are unable to determine the clinical significance of this variant.

University of Washington Department of Laboratory Medicine, University of Washington
Classification: Likely benign for Hereditary cancer-predisposing syndrome. Last evaluated: 2023-03-23. Review status: criteria provided, single submitter. Criteria: Dines et al. (Genet Med. 2020). Collection method: curation. Allele origin: germline.
Comment: Missense variant in a coldspot region where missense variants are very unlikely to be pathogenic (PMID:31911673).

BRCA2 exon 11 coldspot. Reclassification based on statistical prior probability.

BRCAlab, Lund University
Classification: Uncertain significance for Breast-ovarian cancer, familial, susceptibility to, 2. Last evaluated: 2020-03-02. Review status: no assertion criteria provided. Collection method: clinical testing. Allele origin: germline. Affected: yes. Not counted in ClinVar's aggregate classification.

Counsyl
Classification: Uncertain significance for Breast-ovarian cancer, familial, susceptibility to, 2. Last evaluated: 2018-05-02. Review status: no assertion criteria provided. Collection method: clinical testing. Allele origin: unknown. Not counted in ClinVar's aggregate classification.

Sharing Clinical Reports Project (SCRP)
Classification: Uncertain significance for Breast-ovarian cancer, familial 2. Last evaluated: 2012-04-23. Review status: no assertion criteria provided. Collection method: clinical testing. Allele origin: germline. Not counted in ClinVar's aggregate classification.

Department of Pathology and Laboratory Medicine, Sinai Health System
Classification: Uncertain significance. Review status: no assertion criteria provided. Collection method: clinical testing. Allele origin: unknown. Affected: yes. Study: The Canadian Open Genetics Repository (COGR). Not counted in ClinVar's aggregate classification.
Comment: The BRCA2 p.Ile1607Val variant was identified by Suter (2004) in a healthy control subject, but was not identified in any of the breast cancer affected probands from this study. The variant was listed in the UMD as an unclassified variant in one sample. It was identified in dbSNP (ID: rs200582465) â€šÃ„ÃºWith allele of Uncertain significanceâ€šÃ„Ã¹, with a minor allele frequency of 0.0005 (1000 Genomes Project); however, this is based on only one observation of the variant allele. The variant was not listed in any of the other databases searched, including HGMD, COSMIC, LOVD and BIC. This residue is not conserved in mammals or lower organisms and computational analyses (PolyPhen-2, SIFT, AlignGVGD, BLOSUM) do not suggest a high likelihood of impact to the protein. However, this information is not predictive enough to rule out pathogenicity. In summary, based on the above information, the clinical significance of this variant cannot be determined with certainty at this time. This variant is classified as a variant of unknown significance.

Literature cited by the submitters: PubMed 14973102 (cited by 4 submitters); PubMed 27157322 (cited by Women's Health and Genetics/Laboratory Corporation of America, LabCorp and Quest Diagnostics Nichols Institute San Juan Capistrano); PubMed 33471991 (cited by 3 submitters); PubMed 35300142 (cited by 5 submitters); PubMed 36557020 (cited by Women's Health and Genetics/Laboratory Corporation of America, LabCorp); PubMed 31825140 (cited by Labcorp Genetics (formerly Invitae), Labcorp and Quest Diagnostics Nichols Institute San Juan Capistrano); PubMed 31911673 (cited by Quest Diagnostics Nichols Institute San Juan Capistrano); PubMed 32467295 (cited by Quest Diagnostics Nichols Institute San Juan Capistrano); PubMed 31396961 (cited by Quest Diagnostics Nichols Institute San Juan Capistrano).

NM_000059.4(BRCA2):c.4819A>G (p.Ile1607Val)

Gene: BRCA2 (BRCA2 DNA repair associated; plus strand). Cytogenetic location: 13q13.1.
Variant type: single nucleotide variant.
Coding change: c.4819A>G on transcript NM_000059.4 (MANE Select); coding-DNA position 4819, A replaced by G.
Protein change: p.Ile1607Val; replaces isoleucine 1607 with valine.
Molecular consequence: missense variant.
Genome position (GRCh38, 1-based): chr13:32,339,174, A>G. VCF-style: chr13-32339174-A-G. GRCh37 (hg19) VCF-style: chr13-32913311-A-G.
Other names: 5047A>G; short protein forms I1607V.
Identifiers: ClinVar variation 37926 (VCV000037926.36), dbSNP rs200582465, ClinGen allele CA020868.